The following is an entry in ClinVar:

ClinVar aggregate classification (germline): Likely benign (1 of 4 stars; one submission).

Submission:

CeGaT Center for Human Genetics Tuebingen
Classification: Likely benign. Last evaluated: 2025-10-01. Review status: criteria provided, single submitter. Criteria: CeGaT Center For Human Genetics Tuebingen Variant Classification Criteria Version 2. Collection method: clinical testing. Allele origin: germline. Affected: yes. Observed: 1 variant allele.
Comment: MUC4: BP4, BP7

NM_018406.7(MUC4):c.9660C>T (p.Thr3220=)

Gene: MUC4 (mucin 4, cell surface associated). Cytogenetic location: 3q29.
Variant type: single nucleotide variant.
Coding change: c.9660C>T on transcript NM_018406.7 (MANE Select); coding-DNA position 9660, C replaced by T.
Protein change: p.Thr3220=; no amino-acid change (threonine 3220 retained).
Molecular consequence: synonymous variant. On other transcripts: intron variant (2).
Genome position (GRCh38, 1-based): chr3:195,781,920, G>A on the plus strand (C>T on the coding strand, the complement: MUC4 is on the minus strand). VCF-style: chr3-195781920-G-A. GRCh37 (hg19) VCF-style: chr3-195508791-G-A.
Other names: c.83-7615C>T (NM_138297.5); c.83-3465C>T (NM_004532.6).
Identifiers: ClinVar variation 4533825 (VCV004533825.6).